The following is an entry in ClinVar:

ClinVar aggregate classification (germline): Uncertain significance. Review status: criteria provided, multiple submitters, no conflicts (2 of 4 stars). 3 submissions from 3 submitters: Uncertain significance (2). 1 of the submissions does not count toward it. Last evaluated 2024-07-09.

Conditions:
FH-related disorder. Also called: FH-related condition; FH-related disorders.
Hereditary cancer-predisposing syndrome. Also called: Hereditary Cancer Syndrome; Hereditary neoplastic syndrome; Tumor predisposition; Neoplastic Syndromes, Hereditary. Identifiers: Orphanet 140162, MedGen C0027672, MeSH D009386, MONDO:0015356.

Allele frequency attached by ClinVar (database versions not stated): gnomAD exomes below 0.00001; gnomAD 0.00002; TOPMed 0.00002.
gnomAD v4.1: 4 of 1,613,926 alleles (0.00025%); highest among the groups gnomAD compares: African/African-American, 0.0053%; no homozygotes.

Submissions (3):

Ambry Genetics
Classification: Uncertain significance for Hereditary cancer-predisposing syndrome. Last evaluated: 2024-07-09. Review status: criteria provided, single submitter. Criteria: Ambry Variant Classification Scheme 2023. Collection method: clinical testing. Allele origin: germline.
Comment: The p.E168V variant (also known as c.503A>T), located in coding exon 4 of the FH gene, results from an A to T substitution at nucleotide position 503. The glutamic acid at codon 168 is replaced by valine, an amino acid with dissimilar properties. This amino acid position is conserved. In addition, the in silico prediction for this alteration is inconclusive. Based on the available evidence, the clinical significance of this variant remains unclear.

Labcorp Genetics (formerly Invitae), Labcorp
Classification: Uncertain significance. Last evaluated: 2022-08-12. Review status: criteria provided, single submitter. Criteria: Invitae Variant Classification Sherloc (09022015). Collection method: clinical testing. Allele origin: germline.
Comment: Advanced modeling of protein sequence and biophysical properties (such as structural, functional, and spatial information, amino acid conservation, physicochemical variation, residue mobility, and thermodynamic stability) performed at Invitae indicates that this missense variant is not expected to disrupt FH protein function. In summary, the available evidence is currently insufficient to determine the role of this variant in disease. Therefore, it has been classified as a Variant of Uncertain Significance. This variant has not been reported in the literature in individuals affected with FH-related conditions. This sequence change replaces glutamic acid, which is acidic and polar, with valine, which is neutral and non-polar, at codon 168 of the FH protein (p.Glu168Val). This variant is present in population databases (no rsID available, gnomAD 0.01%).

PreventionGenetics, part of Exact Sciences
Classification: Uncertain significance for FH-related condition. Last evaluated: 2024-03-26. Review status: no assertion criteria provided. Collection method: clinical testing. Allele origin: germline. Not counted in ClinVar's aggregate classification.
Comment: The FH c.503A>T variant is predicted to result in the amino acid substitution p.Glu168Val. To our knowledge, this variant has not been reported in the literature. This variant is reported in 0.012% of alleles in individuals of African descent in gnomAD. At this time, the clinical significance of this variant is uncertain due to the absence of conclusive functional and genetic evidence.

NM_000143.4(FH):c.503A>T (p.Glu168Val)

Gene: FH (fumarate hydratase; minus strand). Cytogenetic location: 1q43.
Variant type: single nucleotide variant.
Coding change: c.503A>T on transcript NM_000143.4 (MANE Select); coding-DNA position 503, A replaced by T.
Protein change: p.Glu168Val; replaces glutamic acid 168 with valine.
Molecular consequence: missense variant.
Genome position (GRCh38, 1-based): chr1:241,512,019, T>A on the plus strand (A>T on the coding strand, the complement: FH is on the minus strand). VCF-style: chr1-241512019-T-A. GRCh37 (hg19) VCF-style: chr1-241675319-T-A.
Other names: short protein forms E168V.
Identifiers: ClinVar variation 1927363 (VCV001927363.7), dbSNP rs1323852794, ClinGen allele CA345439958.